The following is an entry in ClinVar:

ClinVar aggregate classification (germline): Uncertain significance (1 of 4 stars; one submission).

Conditions:
Hereditary cancer-predisposing syndrome. Also called: Neoplastic Syndromes, Hereditary; Tumor predisposition; Hereditary Cancer Syndrome; Hereditary neoplastic syndrome. Identifiers: Orphanet 140162, MedGen C0027672, MeSH D009386, MONDO:0015356.

Submission:

Ambry Genetics
Classification: Uncertain significance for Hereditary cancer-predisposing syndrome. Last evaluated: 2020-09-25. Review status: criteria provided, single submitter. Criteria: Ambry Variant Classification Scheme 2023. Collection method: clinical testing. Allele origin: germline.
Comment: The p.I139F variant (also known as c.415A>T), located in coding exon 1 of the AXIN2 gene, results from an A to T substitution at nucleotide position 415. The isoleucine at codon 139 is replaced by phenylalanine, an amino acid with highly similar properties. This amino acid position is highly conserved in available vertebrate species. In addition, the in silico prediction for this alteration is inconclusive. Since supporting evidence is limited at this time, the clinical significance of this alteration remains unclear.

NM_004655.4(AXIN2):c.415A>T (p.Ile139Phe)

Gene: AXIN2 (axin 2; minus strand). Cytogenetic location: 17q24.1.
Variant type: single nucleotide variant.
Coding change: c.415A>T on transcript NM_004655.4 (MANE Select); coding-DNA position 415, A replaced by T.
Protein change: p.Ile139Phe; replaces isoleucine 139 with phenylalanine.
Molecular consequence: missense variant.
Genome position (GRCh38, 1-based): chr17:65,558,206, T>A on the plus strand (A>T on the coding strand, the complement: AXIN2 is on the minus strand). VCF-style: chr17-65558206-T-A. GRCh37 (hg19) VCF-style: chr17-63554324-T-A.
Other names: c.415A>T, p.Ile139Phe (NM_001363813.1); short protein forms I139F.
Identifiers: ClinVar variation 1738321 (VCV001738321.2), dbSNP rs1060502146, ClinGen allele CA400681441.